The following is an entry in ClinVar:

NM_006563.5(KLF1):c.478G>A (p.Glu160Lys)

Genes: KLF1 (KLF transcription factor 1; minus strand), LOC130063673 (ATAC-STARR-seq lymphoblastoid silent region 10180; plus strand). Cytogenetic location: 19p13.13.
Variant type: single nucleotide variant.
Coding change: c.478G>A on transcript NM_006563.5 (MANE Select); coding-DNA position 478, G replaced by A.
Protein change: p.Glu160Lys; replaces glutamic acid 160 with lysine.
Molecular consequence: missense variant.
Genome position (GRCh38, 1-based): chr19:12,885,752, C>T on the plus strand (G>A on the coding strand, the complement: KLF1 is on the minus strand). VCF-style: chr19-12885752-C-T. GRCh37 (hg19) VCF-style: chr19-12996566-C-T.
Other names: c.478G>A (NM_006563.4); short protein forms E160K.
Identifiers: ClinVar variation 328318 (VCV000328318.15), dbSNP rs772655521, ClinGen allele CA9234047.

ClinVar aggregate classification (germline): Conflicting classifications of pathogenicity. Review status: criteria provided, conflicting classifications (1 of 4 stars). 6 submissions from 6 submitters: Uncertain significance (4); Likely benign (1). 1 of the submissions does not count toward it. Last evaluated 2025-12-30.

Conditions:
KLF1-related disorder. Also called: KLF1-Related Disorders; KLF1-related condition.
Inborn genetic diseases. Identifiers: MedGen C0950123, MeSH D030342.
Anemia, congenital dyserythropoietic, type IVa. Also called: Congenital dyserythropoietic anemia type 4; Congenital dyserythropoietic anemia, type IV; CDA, TYPE IVa. Identifiers: Orphanet 293825, MedGen C3150926, MONDO:0013355, OMIM 613673.

Allele frequency attached by ClinVar (database versions not stated): gnomAD exomes 0.00063; 1000 Genomes Project 30x 0.00031; gnomAD 0.00060 and 0.00057; ExAC below 0.00001; TOPMed 0.00041.

Submissions (6):

Labcorp Genetics (formerly Invitae), Labcorp
Classification: Uncertain significance. Last evaluated: 2025-12-30. Review status: criteria provided, single submitter. Criteria: Invitae Variant Classification Sherloc (09022015). Collection method: clinical testing. Allele origin: germline.
Comment: This sequence change replaces glutamic acid, which is acidic and polar, with lysine, which is basic and polar, at codon 160 of the KLF1 protein (p.Glu160Lys). This variant is present in population databases (rs772655521, gnomAD 0.2%), and has an allele count higher than expected for a pathogenic variant. This variant has not been reported in the literature in individuals affected with KLF1-related conditions. ClinVar contains an entry for this variant (Variation ID: 328318). Invitae Evidence Modeling of protein sequence and biophysical properties (such as structural, functional, and spatial information, amino acid conservation, physicochemical variation, residue mobility, and thermodynamic stability) indicates that this missense variant is not expected to disrupt KLF1 protein function with a negative predictive value of 80%. In summary, the available evidence is currently insufficient to determine the role of this variant in disease. Therefore, it has been classified as a Variant of Uncertain Significance.

Blueprint Genetics
Classification: Likely benign. Last evaluated: 2024-11-26. Review status: criteria provided, single submitter. Criteria: ACMG Guidelines, 2015. Collection method: clinical testing. Allele origin: germline.

Ambry Genetics
Classification: Uncertain significance for Inborn genetic diseases. Last evaluated: 2024-04-23. Review status: criteria provided, single submitter. Criteria: Ambry Variant Classification Scheme 2023. Collection method: clinical testing. Allele origin: germline.

Illumina Laboratory Services, Illumina
Classification: Uncertain significance for Anemia, congenital dyserythropoietic, type IVa. Last evaluated: 2018-01-13. Review status: criteria provided, single submitter. Criteria: ICSL Variant Classification Criteria 13 December 2019. Collection method: clinical testing. Allele origin: germline.

Breakthrough Genomics
Classification: Uncertain significance. Review status: criteria provided, single submitter. Criteria: ACMG Guidelines, 2015. Collection method: not provided. Allele origin: germline. Inheritance: Autosomal dominant inheritance. Affected: yes.

PreventionGenetics, part of Exact Sciences
Classification: Likely benign for KLF1-related condition. Last evaluated: 2022-08-03. Review status: no assertion criteria provided. Collection method: clinical testing. Allele origin: germline. Not counted in ClinVar's aggregate classification.
Comment: This variant is classified as likely benign based on ACMG/AMP sequence variant interpretation guidelines (Richards et al. 2015 PMID: 25741868, with internal and published modifications).